The following is an entry in ClinVar:

ClinVar aggregate classification (germline): Uncertain significance (1 of 4 stars; one submission).

Conditions:
Cardiovascular phenotype. Identifiers: MedGen CN230736.

Submission:

Ambry Genetics
Classification: Uncertain significance for Cardiovascular phenotype. Last evaluated: 2026-08-08. Review status: criteria provided, single submitter. Criteria: Ambry Variant Classification Scheme 2023. Collection method: clinical testing. Allele origin: germline.
Comment: The p.F2174L variant (also known as c.6522C>G), located in coding exon 38 of the ANK2 gene, results from a C to G substitution at nucleotide position 6522. The phenylalanine at codon 2174 is replaced by leucine, an amino acid with highly similar properties. This amino acid position is conserved. In addition, this alteration is predicted to be tolerated by in silico analysis. Based on the available evidence, the clinical significance of this variant remains unclear.

NM_001148.6(ANK2):c.6522C>G (p.Phe2174Leu)

Gene: ANK2 (ankyrin 2; plus strand). Cytogenetic location: 4q26.
Variant type: single nucleotide variant.
Coding change: c.6522C>G on transcript NM_001148.6 (MANE Select); coding-DNA position 6522, C replaced by G.
Protein change: p.Phe2174Leu; replaces phenylalanine 2174 with leucine.
Molecular consequence: missense variant. On other transcripts: intron variant (68).
Genome position (GRCh38, 1-based): chr4:113,355,140, C>G. VCF-style: chr4-113355140-C-G. GRCh37 (hg19) VCF-style: chr4-114276296-C-G.
Other names: c.6288C>G, p.Phe2096Leu (NM_001386142.1); c.2922C>G, p.Phe974Leu (NM_001386166.1); c.6663C>G, p.Phe2221Leu (NM_001386174.1); c.6639C>G, p.Phe2213Leu (NM_001386175.1); c.4411+4891C>G (NM_001386186.2, NM_001386148.2); c.4213+4891C>G (NM_001354269.3); c.4291+4891C>G (NM_001386187.2); c.4252+4891C>G (NM_001386147.1); and 35 more; short protein forms F2221L, F2213L, F974L, F2096L, F2174L.
Identifiers: ClinVar variation 5022057 (VCV005022057.1).